The following is an entry in ClinVar:

NM_005458.8(GABBR2):c.2467A>G (p.Thr823Ala)

Gene: GABBR2 (gamma-aminobutyric acid type B receptor subunit 2; minus strand). Cytogenetic location: 9q22.33.
Variant type: single nucleotide variant.
Coding change: c.2467A>G on transcript NM_005458.8 (MANE Select); coding-DNA position 2467, A replaced by G.
Protein change: p.Thr823Ala; replaces threonine 823 with alanine.
Molecular consequence: missense variant.
Genome position (GRCh38, 1-based): chr9:98,299,299, T>C on the plus strand (A>G on the coding strand, the complement: GABBR2 is on the minus strand). VCF-style: chr9-98299299-T-C. GRCh37 (hg19) VCF-style: chr9-101061581-T-C.
Other names: short protein forms T823A.
Identifiers: ClinVar variation 1063185 (VCV001063185.9), dbSNP rs2131344167, ClinGen allele CA374193654.

ClinVar aggregate classification (germline): Uncertain significance (1 of 4 stars; one submission).

Conditions:
Epileptic encephalopathy. Identifiers: MedGen C0543888, HP:0200134.

gnomAD v4.1: 1 of 1,613,886 alleles (0.000062%); highest among the groups gnomAD compares: Non-Finnish European, 0.000085%; no homozygotes.

Submission:

Labcorp Genetics (formerly Invitae), Labcorp
Classification: Uncertain significance for Epileptic encephalopathy. Last evaluated: 2020-10-03. Review status: criteria provided, single submitter. Criteria: Invitae Variant Classification Sherloc (09022015). Collection method: clinical testing. Allele origin: germline.
Comment: This variant is not present in population databases (ExAC no frequency). This variant has not been reported in the literature in individuals with GABBR2-related conditions. Algorithms developed to predict the effect of missense changes on protein structure and function are either unavailable or do not agree on the potential impact of this missense change (SIFT: "Deleterious"; PolyPhen-2: "Benign"; Align-GVGD: "Class C55"). In summary, the available evidence is currently insufficient to determine the role of this variant in disease. Therefore, it has been classified as a Variant of Uncertain Significance. This sequence change replaces threonine with alanine at codon 823 of the GABBR2 protein (p.Thr823Ala). The threonine residue is highly conserved and there is a small physicochemical difference between threonine and alanine.